The following is an entry in ClinVar:

ClinVar aggregate classification (germline): Uncertain significance (1 of 4 stars; one submission).

Conditions:
Familial thoracic aortic aneurysm and aortic dissection (TAAD). Also called: Thoracic aortic aneurysms and dissections. Identifiers: Orphanet 91387, MedGen C4707243, MONDO:0019625.

Submission:

Color Diagnostics, LLC DBA Color Health
Classification: Uncertain significance for Familial thoracic aortic aneurysm and aortic dissection. Last evaluated: 2025-06-23. Review status: criteria provided, single submitter. Criteria: ACMG Guidelines, 2015. Collection method: clinical testing. Allele origin: germline.
Comment: This missense variant replaces methionine with leucine at codon 1548 of the MYH11 protein. Computational prediction suggests that this variant may not impact protein structure and function. To our knowledge, functional studies have not been reported for this variant. This variant has not been reported in individuals affected with MYH11-related disorders in the literature. This variant has not been identified in the general population by the Genome Aggregation Database (gnomAD). The available evidence is insufficient to determine the role of this variant in disease conclusively. Therefore, this variant is classified as a Variant of Uncertain Significance.

NM_002474.3(MYH11):c.4621A>C (p.Met1541Leu)

Genes: MYH11 (myosin heavy chain 11; minus strand), NDE1 (nudE neurodevelopment protein 1; plus strand). Cytogenetic location: 16p13.11.
Variant type: single nucleotide variant.
Coding change: c.4621A>C on transcript NM_002474.3 (MANE Select); coding-DNA position 4621, A replaced by C.
Protein change: p.Met1541Leu; replaces methionine 1541 with leucine.
Molecular consequence: missense variant. On other transcripts: intron variant (2).
Genome position (GRCh38, 1-based): chr16:15,721,009, T>G on the plus strand (A>C on the coding strand, the complement: MYH11 is on the minus strand). VCF-style: chr16-15721009-T-G. GRCh37 (hg19) VCF-style: chr16-15814866-T-G.
Other names: c.4642A>C, p.Met1548Leu (NM_001040113.2, NM_001040114.2); c.4621A>C, p.Met1541Leu (NM_022844.3); c.948-3182T>G (NM_001143979.2, NM_017668.3); short protein forms M1541L, M1548L.
Identifiers: ClinVar variation 4756947 (VCV004756947.1).
Genomic context (GRCh38, chr16:15,721,009, plus strand): 5'-CGTCCTCCGTGGCTTGCAGCTCGTCCTCCAGCTCTTCCAGCTGCGTCTTCATCTCCTCCA[T>G]CTGGGTCTCCAGGGCCCGCTTGGACTTCTCCAGCTCATGGACCTGCCGGCAGAGCGGGCA-3'
Protein context (NP_002465.1, residues 1531-1551): EKSKRALETQ[Met1541Leu]EEMKTQLEEL